The following is an entry in ClinVar:

NM_003482.4(KMT2D):c.6570dup (p.Thr2191fs)

Gene: KMT2D (lysine methyltransferase 2D; minus strand). Cytogenetic location: 12q13.12.
Variant type: Duplication.
Coding change: c.6570dup on transcript NM_003482.4 (MANE Select); coding-DNA position 6570, one base duplicated (C; older notation c.6570dupC).
Protein change: p.Thr2191fs; shifts the reading frame from threonine 2191.
Molecular consequence: frameshift variant.
Genome position (GRCh38, 1-based): chr12:49,041,200, G duplicated on the plus strand (C on the coding strand, the reverse complement: KMT2D is on the minus strand); the first of 4 consecutive G bases (chr12:49,041,200-49,041,203); duplicating any one gives the same sequence. VCF-style (leftmost placement, unchanged base first): chr12-49041199-T-TG. GRCh37 (hg19) VCF-style: chr12-49434982-T-TG.
Other names: short protein forms T2191fs.
Identifiers: ClinVar variation 2100300 (VCV002100300.4), dbSNP rs2498402235, ClinGen allele CA2580086374.

ClinVar aggregate classification (germline): Pathogenic (1 of 4 stars; one submission).

Conditions:
Kabuki syndrome. Also called: Kabuki make-up syndrome; NIIKAWA-KUROKI SYNDROME. Identifiers: Orphanet 2322, MedGen C0796004, MONDO:0016512.

Submission:

Labcorp Genetics (formerly Invitae), Labcorp
Classification: Pathogenic for Kabuki syndrome. Last evaluated: 2024-01-22. Review status: criteria provided, single submitter. Criteria: Invitae Variant Classification Sherloc (09022015). Collection method: clinical testing. Allele origin: germline.
Comment: This sequence change creates a premature translational stop signal (p.Thr2191Hisfs*11) in the KMT2D gene. It is expected to result in an absent or disrupted protein product. Loss-of-function variants in KMT2D are known to be pathogenic (PMID: 22126750). This variant is not present in population databases (gnomAD no frequency). This variant has not been reported in the literature in individuals affected with KMT2D-related conditions. ClinVar contains an entry for this variant (Variation ID: 2100300). For these reasons, this variant has been classified as Pathogenic.

Literature cited by the submitters: PubMed 22126750.